The following is an entry in ClinVar:

NM_015425.6(POLR1A):c.2612A>G (p.His871Arg)

Gene: POLR1A (RNA polymerase I subunit A; minus strand). Cytogenetic location: 2p11.2.
Variant type: single nucleotide variant.
Coding change: c.2612A>G on transcript NM_015425.6 (MANE Select); coding-DNA position 2612, A replaced by G.
Protein change: p.His871Arg; replaces histidine 871 with arginine.
Molecular consequence: missense variant.
Genome position (GRCh38, 1-based): chr2:86,048,906, T>C on the plus strand (A>G on the coding strand, the complement: POLR1A is on the minus strand). VCF-style: chr2-86048906-T-C. GRCh37 (hg19) VCF-style: chr2-86276029-T-C.
Other names: short protein forms H871R.
Identifiers: ClinVar variation 4774670 (VCV004774670.1).

ClinVar aggregate classification (germline): Uncertain significance (1 of 4 stars; one submission).

gnomAD v4.1: 5 of 1,614,152 alleles (0.00031%); highest among the groups gnomAD compares: South Asian, 0.0044%; no homozygotes.

Submission:

Labcorp Genetics (formerly Invitae), Labcorp
Classification: Uncertain significance. Last evaluated: 2025-07-22. Review status: criteria provided, single submitter. Criteria: Invitae Variant Classification Sherloc (09022015). Collection method: clinical testing. Allele origin: germline.
Comment: This sequence change replaces histidine, which is basic and polar, with arginine, which is basic and polar, at codon 871 of the POLR1A protein (p.His871Arg). This variant is present in population databases (no rsID available, gnomAD 0.01%). This variant has not been reported in the literature in individuals affected with POLR1A-related conditions. Invitae Evidence Modeling of protein sequence and biophysical properties (such as structural, functional, and spatial information, amino acid conservation, physicochemical variation, residue mobility, and thermodynamic stability) indicates that this missense variant is not expected to disrupt POLR1A protein function with a negative predictive value of 80%. In summary, the available evidence is currently insufficient to determine the role of this variant in disease. Therefore, it has been classified as a Variant of Uncertain Significance.